The following is an entry in ClinVar:

NM_001184.4(ATR):c.6758C>T (p.Ala2253Val)

Gene: ATR (ATR checkpoint kinase; minus strand). Cytogenetic location: 3q23.
Variant type: single nucleotide variant.
Coding change: c.6758C>T on transcript NM_001184.4 (MANE Select); coding-DNA position 6758, C replaced by T.
Protein change: p.Ala2253Val; replaces alanine 2253 with valine.
Molecular consequence: missense variant.
Genome position (GRCh38, 1-based): chr3:142,466,463, G>A on the plus strand (C>T on the coding strand, the complement: ATR is on the minus strand). VCF-style: chr3-142466463-G-A. GRCh37 (hg19) VCF-style: chr3-142185305-G-A.
Other names: c.6566C>T, p.Ala2189Val (NM_001354579.2); short protein forms A2253V, A2189V.
Identifiers: ClinVar variation 2010689 (VCV002010689.4), dbSNP rs2473060480, ClinGen allele CA354801906.

ClinVar aggregate classification (germline): Uncertain significance (1 of 4 stars; one submission).

Submission:

Labcorp Genetics (formerly Invitae), Labcorp
Classification: Uncertain significance. Last evaluated: 2022-06-25. Review status: criteria provided, single submitter. Criteria: Invitae Variant Classification Sherloc (09022015). Collection method: clinical testing. Allele origin: germline.
Comment: In summary, the available evidence is currently insufficient to determine the role of this variant in disease. Therefore, it has been classified as a Variant of Uncertain Significance. Algorithms developed to predict the effect of missense changes on protein structure and function (SIFT, PolyPhen-2, Align-GVGD) all suggest that this variant is likely to be tolerated. This variant has not been reported in the literature in individuals affected with ATR-related conditions. This variant is not present in population databases (gnomAD no frequency). This sequence change replaces alanine, which is neutral and non-polar, with valine, which is neutral and non-polar, at codon 2253 of the ATR protein (p.Ala2253Val).